The following is an entry in ClinVar:

NM_000532.5(PCCB):c.23C>T (p.Ala8Val)

Gene: PCCB (propionyl-CoA carboxylase subunit beta; plus strand). Cytogenetic location: 3q22.3.
Variant type: single nucleotide variant.
Coding change: c.23C>T on transcript NM_000532.5 (MANE Select); coding-DNA position 23, C replaced by T.
Protein change: p.Ala8Val; replaces alanine 8 with valine.
Molecular consequence: missense variant.
Genome position (GRCh38, 1-based): chr3:136,250,398, C>T. VCF-style: chr3-136250398-C-T. GRCh37 (hg19) VCF-style: chr3-135969240-C-T.
Other names: c.23C>T (NM_000532.4); c.23C>T, p.Ala8Val (NM_001178014.2); short protein forms A8V.
Identifiers: ClinVar variation 1005879 (VCV001005879.8), dbSNP rs764602019, ClinGen allele CA2631550.
Genomic context (GRCh38, chr3:136,250,398, plus strand): 5'-TCAGGTGCGCCGGTAGGGGACGCGCCGGCACAGCAAAAATGGCGGCGGCATTACGGGTGG[C>T]GGCGGTCGGGGCAAGGCTCAGCGTTCTGGCGAGCGGTCTCCGCGCCGCGGTCCGCAGCCT-3'
Protein context (NP_000523.2, residues 1-18): MAAALRV[Ala8Val]AVGARLSVLA

ClinVar aggregate classification (germline): Uncertain significance. Review status: criteria provided, multiple submitters, no conflicts (2 of 4 stars). 3 submissions from 3 submitters: Uncertain significance (2). 1 of the submissions does not count toward it. Last evaluated 2025-09-14.

Conditions:
PCCB-related disorder. Also called: PCCB-related condition.
Propionic acidemia (PROP). Also called: GLYCINEMIA, KETOTIC; HYPERGLYCINEMIA WITH KETOACIDOSIS AND LEUKOPENIA; KETOTIC HYPERGLYCINEMIA. Identifiers: Orphanet 35, MedGen C0268579, MONDO:0011628, OMIM 606054, HP:0003571.

Allele frequency attached by ClinVar (database versions not stated): gnomAD exomes 0.00001; ExAC 0.00006; TOPMed 0.00010; gnomAD 0.00011 and 0.00012.
gnomAD v4.1: 28 of 1,539,648 alleles (0.0018%); highest among the groups gnomAD compares: African/African-American, 0.033%; no homozygotes.

Submissions (3):

PreventionGenetics, part of Exact Sciences
Classification: Uncertain significance for PCCB-related condition. Last evaluated: 2025-09-14. Review status: criteria provided, single submitter. Criteria: ACMG Guidelines, 2015. Collection method: clinical testing. Allele origin: germline.
Comment: The PCCB c.23C>T variant is predicted to result in the amino acid substitution p.Ala8Val. To our knowledge, this variant has not been reported in the literature. This variant is reported in 0.023% of alleles in individuals of African descent in gnomAD. At this time, the clinical significance of this variant is uncertain due to the absence of conclusive functional and genetic evidence.

Labcorp Genetics (formerly Invitae), Labcorp
Classification: Uncertain significance for Propionic acidemia. Last evaluated: 2022-08-22. Review status: criteria provided, single submitter. Criteria: Invitae Variant Classification Sherloc (09022015). Collection method: clinical testing. Allele origin: germline.
Comment: This sequence change replaces alanine, which is neutral and non-polar, with valine, which is neutral and non-polar, at codon 8 of the PCCB protein (p.Ala8Val). The frequency data for this variant in the population databases is considered unreliable, as metrics indicate poor data quality at this position in the gnomAD database. This variant has not been reported in the literature in individuals affected with PCCB-related conditions. ClinVar contains an entry for this variant (Variation ID: 1005879). Advanced modeling of protein sequence and biophysical properties (such as structural, functional, and spatial information, amino acid conservation, physicochemical variation, residue mobility, and thermodynamic stability) performed at Invitae indicates that this missense variant is not expected to disrupt PCCB protein function. In summary, the available evidence is currently insufficient to determine the role of this variant in disease. Therefore, it has been classified as a Variant of Uncertain Significance.

Natera, Inc.
Classification: Uncertain significance for Propionic acidemia. Last evaluated: 2020-11-17. Review status: no assertion criteria provided. Collection method: clinical testing. Allele origin: germline. Not counted in ClinVar's aggregate classification.